The following is an entry in ClinVar:

ClinVar aggregate classification (germline): Likely benign (1 of 4 stars; one submission).

Conditions:
Familial cancer of breast. Also called: BREAST CANCER, FAMILIAL; Hereditary breast cancer; hereditary breast carcinoma. Identifiers: Orphanet 227535, MedGen C0346153, MONDO:0016419, OMIM 114480. Disease mechanism: loss of function.

Submission:

Myriad Genetics, Inc.
Classification: Likely benign for Familial cancer of breast. Last evaluated: 2024-05-24. Review status: criteria provided, single submitter. Criteria: Myriad Autosomal Dominant, Autosomal Recessive and X-Linked Classification Criteria (2023). Collection method: clinical testing. Allele origin: unknown.
Comment: This variant is considered likely benign. This variant is intronic and is not expected to impact mRNA splicing.

NM_000051.4(ATM):c.5675-13T>C

Gene: ATM (ATM serine/threonine kinase; plus strand). Cytogenetic location: 11q22.3.
Variant type: single nucleotide variant.
Coding change: c.5675-13T>C on transcript NM_000051.4 (MANE Select); 13 bases into the intron before coding-DNA position 5675, T replaced by C.
Molecular consequence: intron variant.
Genome position (GRCh38, 1-based): chr11:108,307,884, T>C. VCF-style: chr11-108307884-T-C. GRCh37 (hg19) VCF-style: chr11-108178611-T-C.
Other names: c.5675-13T>C (NM_001351834.2).
Identifiers: ClinVar variation 3254246 (VCV003254246.1), dbSNP rs373219694.